The following is an entry in ClinVar:

ClinVar aggregate classification (germline): Uncertain significance (1 of 4 stars; one submission).

Submission:

Labcorp Genetics (formerly Invitae), Labcorp
Classification: Uncertain significance. Last evaluated: 2022-05-21. Review status: criteria provided, single submitter. Criteria: Invitae Variant Classification Sherloc (09022015). Collection method: clinical testing. Allele origin: germline.
Comment: In summary, the available evidence is currently insufficient to determine the role of this variant in disease. Therefore, it has been classified as a Variant of Uncertain Significance. Algorithms developed to predict the effect of missense changes on protein structure and function (SIFT, PolyPhen-2, Align-GVGD) all suggest that this variant is likely to be disruptive. This variant has not been reported in the literature in individuals affected with TPP1-related conditions. This variant is not present in population databases (gnomAD no frequency). This sequence change replaces cysteine, which is neutral and slightly polar, with phenylalanine, which is neutral and non-polar, at codon 122 of the TPP1 protein (p.Cys122Phe).

NM_000391.4(TPP1):c.365G>T (p.Cys122Phe)

Gene: TPP1 (tripeptidyl peptidase 1; minus strand). Cytogenetic location: 11p15.4.
Variant type: single nucleotide variant.
Coding change: c.365G>T on transcript NM_000391.4 (MANE Select); coding-DNA position 365, G replaced by T.
Protein change: p.Cys122Phe; replaces cysteine 122 with phenylalanine.
Molecular consequence: missense variant.
Genome position (GRCh38, 1-based): chr11:6,617,641, C>A on the plus strand (G>T on the coding strand, the complement: TPP1 is on the minus strand). VCF-style: chr11-6617641-C-A. GRCh37 (hg19) VCF-style: chr11-6638872-C-A.
Other names: short protein forms C122F.
Identifiers: ClinVar variation 1997255 (VCV001997255.4), dbSNP rs2493800295, ClinGen allele CA379476173.